The following is an entry in ClinVar:

ClinVar aggregate classification (germline): Likely benign. Review status: criteria provided, multiple submitters, no conflicts (2 of 4 stars). 2 submissions from 2 submitters: Likely benign (2). Last evaluated 2025-06-05.

Conditions:
PCARE-related disorder. Also called: PCARE-related condition.

Allele frequency attached by ClinVar (database versions not stated): gnomAD 0.00001; gnomAD exomes 0.00001 and 0.00002; TOPMed 0.00003.
gnomAD v4.1: 8 of 1,613,554 alleles (0.0005%); highest among the groups gnomAD compares: Admixed American, 0.013%; no homozygotes.

Submissions (2):

PreventionGenetics, part of Exact Sciences
Classification: Likely benign for PCARE-related condition. Last evaluated: 2025-06-05. Review status: criteria provided, single submitter. Criteria: ACMG Guidelines, 2015. Collection method: clinical testing. Allele origin: germline.
Comment: This variant is classified as likely benign based on ACMG/AMP sequence variant interpretation guidelines (Richards et al. 2015 PMID: 25741868, with internal and published modifications).

Labcorp Genetics (formerly Invitae), Labcorp
Classification: Likely benign. Last evaluated: 2024-12-05. Review status: criteria provided, single submitter. Criteria: Invitae Variant Classification Sherloc (09022015). Collection method: clinical testing. Allele origin: germline.

NM_001029883.3(PCARE):c.2913G>A (p.Arg971=)

Gene: PCARE (photoreceptor cilium actin regulator; minus strand). Cytogenetic location: 2p23.2.
Variant type: single nucleotide variant.
Coding change: c.2913G>A on transcript NM_001029883.3 (MANE Select); coding-DNA position 2913, G replaced by A.
Protein change: p.Arg971=; no amino-acid change (arginine 971 retained).
Molecular consequence: synonymous variant.
Genome position (GRCh38, 1-based): chr2:29,071,349, C>T on the plus strand (G>A on the coding strand, the complement: PCARE is on the minus strand). VCF-style: chr2-29071349-C-T. GRCh37 (hg19) VCF-style: chr2-29294215-C-T.
Other names: c.2913G>A (NM_001029883.2).
Identifiers: ClinVar variation 1594413 (VCV001594413.9), dbSNP rs1175797627, ClinGen allele CA425616831.